The following is an entry in ClinVar:

NM_000245.4(MET):c.720G>A (p.Glu240=)

Gene: MET (MET proto-oncogene, receptor tyrosine kinase; plus strand). Cytogenetic location: 7q31.2.
Variant type: single nucleotide variant.
Coding change: c.720G>A on transcript NM_000245.4 (MANE Select); coding-DNA position 720, G replaced by A.
Protein change: p.Glu240=; no amino-acid change (glutamic acid 240 retained).
Molecular consequence: synonymous variant. On other transcripts: intron variant (1).
Genome position (GRCh38, 1-based): chr7:116,699,804, G>A. VCF-style: chr7-116699804-G-A. GRCh37 (hg19) VCF-style: chr7-116339858-G-A.
Other names: c.720G>A (NM_001127500.2); c.720G>A, p.Glu240= (NM_001127500.3, NM_001324401.3); c.-91+27227G>A (NM_001324402.2).
Identifiers: ClinVar variation 1757714 (VCV001757714.9), dbSNP rs1450906177, ClinGen allele CA457447859.
Genomic context (GRCh38, chr7:116,699,804, plus strand): 5'-GGAAACGAAAGATGGTTTTATGTTTTTGACGGACCAGTCCTACATTGATGTTTTACCTGA[G>A]TTCAGAGATTCTTACCCCATTAAGTATGTCCATGCCTTTGAAAGCAACAATTTTATTTAC-3'
Protein context (NP_000236.2, residues 230-250): TDQSYIDVLP[Glu240=]FRDSYPIKYV

ClinVar aggregate classification (germline): Benign/Likely benign. Review status: criteria provided, multiple submitters, no conflicts (2 of 4 stars). 4 submissions from 4 submitters: Benign (1); Likely benign (3). Last evaluated 2025-08-29.

Conditions:
Papillary renal cell carcinoma type 1 (RCCP1). Also called: RENAL CELL CARCINOMA, PAPILLARY, 1, SOMATIC; Renal adenocarcinoma; Renal cell carcinoma 1; Renal cell carcinoma, somatic. Identifiers: Orphanet 47044, MedGen C1336839, OMIM 605074, HP:0011797.
MET-related disorder. Also called: MET-related condition.
Renal cell carcinoma. Identifiers: Orphanet 217071, MedGen C0007134, MeSH D002292, MONDO:0005086, HP:0005584.
Hereditary cancer-predisposing syndrome. Also called: Neoplastic Syndromes, Hereditary; Hereditary neoplastic syndrome; Hereditary Cancer Syndrome; Tumor predisposition. Identifiers: Orphanet 140162, MedGen C0027672, MeSH D009386, MONDO:0015356.

Allele frequency attached by ClinVar (database versions not stated): gnomAD exomes below 0.00001; gnomAD 0.00001; TOPMed 0.00001.
gnomAD v4.1: 4 of 1,613,956 alleles (0.00025%); highest among the groups gnomAD compares: African/African-American, 0.004%; no homozygotes.

Submissions (4):

Labcorp Genetics (formerly Invitae), Labcorp
Classification: Likely benign for Renal cell carcinoma. Last evaluated: 2025-08-29. Review status: criteria provided, single submitter. Criteria: Invitae Variant Classification Sherloc (09022015). Collection method: clinical testing. Allele origin: germline.

PreventionGenetics, part of Exact Sciences
Classification: Likely benign for MET-related condition. Last evaluated: 2024-11-11. Review status: criteria provided, single submitter. Criteria: ACMG Guidelines, 2015. Collection method: clinical testing. Allele origin: germline.
Comment: This variant is classified as likely benign based on ACMG/AMP sequence variant interpretation guidelines (Richards et al. 2015 PMID: 25741868, with internal and published modifications).

Myriad Genetics, Inc.
Classification: Benign for Papillary renal cell carcinoma type 1. Last evaluated: 2024-11-06. Review status: criteria provided, single submitter. Criteria: Myriad Autosomal Dominant, Autosomal Recessive and X-Linked Classification Criteria (2023). Collection method: clinical testing. Allele origin: unknown.
Comment: This variant is considered benign. This variant is a silent/synonymous amino acid change and it is not expected to impact splicing.

Ambry Genetics
Classification: Likely benign for Hereditary cancer-predisposing syndrome. Last evaluated: 2019-06-14. Review status: criteria provided, single submitter. Criteria: Ambry Variant Classification Scheme 2023. Collection method: clinical testing. Allele origin: germline.